The following is an entry in ClinVar:

ClinVar aggregate classification (germline): Conflicting classifications of pathogenicity. Review status: criteria provided, conflicting classifications (1 of 4 stars). 13 submissions from 13 submitters: Uncertain significance (5); Benign (2); Likely benign (4). 2 of the submissions do not count toward it. Last evaluated 2026-06-01.

Conditions:
SCN2A-related disorder. Also called: SCN2A-related condition; SCN2A-related disorders. Identifiers: MedGen CN382226, MONDO:1060245.
Developmental and epileptic encephalopathy, 11 (DEE11). Also called: Early infantile epileptic encephalopathy 11. Identifiers: Orphanet 1934, MedGen C3150987, MONDO:0013388, OMIM 613721.
Seizures, benign familial infantile, 3 (BFIS3). Also called: CONVULSIONS, BENIGN FAMILIAL INFANTILE, 3; Familial neonatal seizures. Identifiers: Orphanet 140927, Orphanet 306, MedGen C1843140, MONDO:0011904, OMIM 607745.
Episodic ataxia, type 9. Identifiers: MedGen C5394520, MONDO:0030064, OMIM 618924.
Self-limited epilepsy with centrotemporal spikes. Also called: Rolandic epilepsy; Childhood epilepsy with centrotemporal spikes. Identifiers: Orphanet 1945, MedGen C0376532, MONDO:0007295.

Allele frequency attached by ClinVar (database versions not stated): TOPMed 0.00020; ESP Exome Variant Server 0.00023.
gnomAD v4.1: 594 of 1,613,778 alleles (0.037%); highest among the groups gnomAD compares: Non-Finnish European, 0.047%; 1 homozygote.

Submissions (13):

CeGaT Center for Human Genetics Tuebingen
Classification: Likely benign. Last evaluated: 2026-06-01. Review status: criteria provided, single submitter. Criteria: CeGaT Center For Human Genetics Tuebingen Variant Classification Criteria Version 2. Collection method: clinical testing. Allele origin: germline. Affected: yes. Observed: 8 variant alleles.
Comment: SCN2A: BS2

Labcorp Genetics (formerly Invitae), Labcorp
Classification: Likely benign for Seizures, benign familial infantile, 3; Developmental and epileptic encephalopathy, 11. Last evaluated: 2025-12-30. Review status: criteria provided, single submitter. Criteria: Invitae Variant Classification Sherloc (09022015). Collection method: clinical testing. Allele origin: germline.

Women's Health and Genetics/Laboratory Corporation of America, LabCorp
Classification: Uncertain significance. Last evaluated: 2025-12-29. Review status: criteria provided, single submitter. Criteria: LabCorp Variant Classification Summary - May 2015. Collection method: clinical testing. Allele origin: germline.
Comment: Variant summary: SCN2A c.3457G>A (p.Glu1153Lys) results in a conservative amino acid change in the encoded protein sequence. Algorithms developed to predict the effect of missense changes on protein structure and function are either unavailable or do not agree on the potential impact of this missense change. The variant allele was found at a frequency of 0.00017 in 251444 control chromosomes. This frequency is not significantly higher than estimated for disease-causing variants in SCN2A, allowing no conclusion about variant significance. c.3457G>A has been observed in an individual affected with Rolandic epilepsy (Bobbili_2018). This report does not provide unequivocal conclusions about association of the variant with Early Infantile Epileptic Encephalopathy 11. At least one publication reports experimental evidence evaluating an impact on protein function. These results showed no damaging effect of this variant (Thompson_2023). The following publications have been ascertained in the context of this evaluation (PMID: 29358611, 37578743). ClinVar contains an entry for this variant (Variation ID: 206987). Based on the evidence outlined above, the variant was classified as uncertain significance.

Blueprint Genetics
Classification: Likely benign. Last evaluated: 2024-06-25. Review status: criteria provided, single submitter. Criteria: ACMG Guidelines, 2015. Collection method: clinical testing. Allele origin: germline.

GeneDx
Classification: Benign. Last evaluated: 2021-03-23. Review status: criteria provided, single submitter. Criteria: GeneDx Variant Classification Process June 2021. Collection method: clinical testing. Allele origin: germline. Affected: yes.

Baylor Genetics
Classification: Uncertain significance for Developmental and epileptic encephalopathy, 11. Last evaluated: 2019-06-14. Review status: criteria provided, single submitter. Criteria: ACMG Guidelines, 2015. Collection method: clinical testing. Allele origin: unknown. Affected: yes.
Comment: This variant was determined to be of uncertain significance according to ACMG Guidelines, 2015 [PMID:25741868].

Illumina Laboratory Services, Illumina
Classification: Likely benign for Seizures, benign familial infantile, 3. Last evaluated: 2018-01-13. Review status: criteria provided, single submitter. Criteria: ICSL Variant Classification Criteria 13 December 2019. Collection method: clinical testing. Allele origin: germline.
Comment: This variant was observed in the ICSL laboratory as part of a predisposition screen in an ostensibly healthy population. It had not been previously curated by ICSL or reported in the Human Gene Mutation Database (HGMD: prior to June 1st, 2018), and was therefore a candidate for classification through an automated scoring system. Utilizing variant allele frequency, disease prevalence and penetrance estimates, and inheritance mode, an automated score was calculated to assess if this variant is too frequent to cause the disease. Based on the score and internal cut-off values, a variant classified as likely benign is not then subjected to further curation. The score for this variant resulted in a classification of likely benign for this disease.

Genetic Services Laboratory, University of Chicago
Classification: Benign. Last evaluated: 2017-11-28. Review status: criteria provided, single submitter. Criteria: ACMG Guidelines, 2015. Collection method: clinical testing. Allele origin: germline. Affected: no.

Fulgent Genetics
Classification: Uncertain significance for Seizures, benign familial infantile, 3; Developmental and epileptic encephalopathy, 11. Last evaluated: 2017-05-23. Review status: criteria provided, single submitter. Criteria: ACMG Guidelines, 2015. Collection method: clinical testing. Allele origin: unknown.

Eurofins Ntd Llc (ga)
Classification: Uncertain significance. Last evaluated: 2016-03-28. Review status: criteria provided, single submitter. Criteria: EGL Classification Definitions 2015. Collection method: clinical testing. Allele origin: germline. Observed: 1 variant allele, 1 heterozygote.

Center for Genomics, Ann and Robert H. Lurie Children's Hospital of Chicago
Classification: Uncertain significance for Seizures, benign familial infantile, 3; Developmental and epileptic encephalopathy, 11; Episodic ataxia, type 9. Review status: criteria provided, single submitter. Criteria: ACMG Guidelines, 2015. Collection method: clinical testing. Allele origin: germline.
Comment: SCN2A NM_021007.2 exon 18 p.Glu1153Lys (c.3457G>A): This variant has not been reported in the literature but is present in 39/126674 European alleles in the Genome Aggregation Database. This variant is present in ClinVar (Variation ID: 206987). Evolutionary conservation and computational predictive tools suggest that this variant may impact the protein. In summary, data on this variant is insufficient for disease classification. Therefore, the clinical significance of this variant is uncertain.

PreventionGenetics, part of Exact Sciences
Classification: Likely benign for SCN2A-related condition. Last evaluated: 2019-11-25. Review status: no assertion criteria provided. Collection method: clinical testing. Allele origin: germline. Not counted in ClinVar's aggregate classification.
Comment: This variant is classified as likely benign based on ACMG/AMP sequence variant interpretation guidelines (Richards et al. 2015 PMID: 25741868, with internal and published modifications).

Bioinformatics Core, Luxembourg Center for Systems Biomedicine
Classification: Pathogenic for Self-limited epilepsy with centrotemporal spikes. Last evaluated: 2017-01-01. Review status: no assertion criteria provided. Collection method: case-control. Allele origin: germline. Affected: yes. Study: EUROEPINOMICS COGIE. Not counted in ClinVar's aggregate classification.

Literature cited by the submitters: PubMed 29358611 (cited by Women's Health and Genetics/Laboratory Corporation of America, LabCorp and Bioinformatics Core, Luxembourg Center for Systems Biomedicine); PubMed 37578743 (cited by Women's Health and Genetics/Laboratory Corporation of America, LabCorp).

NM_001040142.2(SCN2A):c.3457G>A (p.Glu1153Lys)

Gene: SCN2A (sodium voltage-gated channel alpha subunit 2; plus strand). Cytogenetic location: 2q24.3.
Variant type: single nucleotide variant.
Coding change: c.3457G>A on transcript NM_001040142.2 (MANE Select); coding-DNA position 3457, G replaced by A.
Protein change: p.Glu1153Lys; replaces glutamic acid 1153 with lysine.
Molecular consequence: missense variant.
Genome position (GRCh38, 1-based): chr2:165,365,200, G>A. VCF-style: chr2-165365200-G-A. GRCh37 (hg19) VCF-style: chr2-166221710-G-A.
Other names: p.E1153K:GAG>AAG; c.3457G>A, p.Glu1153Lys (NM_001040143.2, NM_001371246.1, NM_001371247.1 and 1 more transcripts); short protein forms E1153K.
Identifiers: ClinVar variation 206987 (VCV000206987.68), dbSNP rs200138205, ClinGen allele CA317927.